The following is an entry in ClinVar:

ClinVar aggregate classification (germline): Conflicting classifications of pathogenicity. Review status: criteria provided, conflicting classifications (1 of 4 stars). 4 submissions from 4 submitters: Uncertain significance (3); Likely benign (1). Last evaluated 2025-12-26.

Conditions:
Mitochondrial complex V (ATP synthase) deficiency, nuclear type 2. Also called: Nuclear-Encoded ATPase Deficiency, TMEM70-Related; ENCEPHALOCARDIOMYOPATHY, MITOCHONDRIAL, NEONATAL, DUE TO ATP SYNTHASE DEFICIENCY; MITOCHONDRIAL COMPLEX V (ATP SYNTHASE) DEFICIENCY, TMEM70 TYPE. Identifiers: Orphanet 1194, MedGen C3279699, MONDO:0013546, OMIM 614052.

Allele frequency attached by ClinVar (database versions not stated): gnomAD 0.00009; ExAC 0.00011; TOPMed 0.00013; gnomAD exomes 0.00014.

Submissions (4):

Labcorp Genetics (formerly Invitae), Labcorp
Classification: Likely benign for Mitochondrial complex V (ATP synthase) deficiency, nuclear type 2. Last evaluated: 2025-12-26. Review status: criteria provided, single submitter. Criteria: Invitae Variant Classification Sherloc (09022015). Collection method: clinical testing. Allele origin: germline.

GeneDx
Classification: Uncertain significance. Last evaluated: 2024-11-25. Review status: criteria provided, single submitter. Criteria: GeneDx Variant Classification Process June 2021. Collection method: clinical testing. Allele origin: germline. Affected: yes.
Comment: In silico analysis supports that this missense variant has a deleterious effect on protein structure/function; Has not been previously published as pathogenic or benign to our knowledge

Mayo Clinic Laboratories, Mayo Clinic
Classification: Uncertain significance. Last evaluated: 2023-12-13. Review status: criteria provided, single submitter. Criteria: ACMG Guidelines, 2015. Collection method: clinical testing. Allele origin: germline. Observed: 1 variant allele.
Comment: BS1

Illumina Laboratory Services, Illumina
Classification: Uncertain significance for Mitochondrial complex V (ATP synthase) deficiency, nuclear type 2. Last evaluated: 2018-01-12. Review status: criteria provided, single submitter. Criteria: ICSL Variant Classification Criteria 13 December 2019. Collection method: clinical testing. Allele origin: germline.

NM_017866.6(TMEM70):c.555T>G (p.Asn185Lys)

Gene: TMEM70 (transmembrane protein 70; plus strand). Cytogenetic location: 8q21.11.
Variant type: single nucleotide variant.
Coding change: c.555T>G on transcript NM_017866.6 (MANE Select); coding-DNA position 555, T replaced by G.
Protein change: p.Asn185Lys; replaces asparagine 185 with lysine.
Molecular consequence: missense variant. On other transcripts: 3 prime UTR variant (1), non-coding transcript variant (1).
Genome position (GRCh38, 1-based): chr8:73,981,393, T>G. VCF-style: chr8-73981393-T-G. GRCh37 (hg19) VCF-style: chr8-74893628-T-G.
Other names: p.N185K:AAT>AAG; p.Asn185Lys; c.*245T>G (NM_001040613.3); short protein forms N185K.
Identifiers: ClinVar variation 203986 (VCV000203986.19), dbSNP rs199655842, ClinGen allele CA313082.